The following is an entry in ClinVar:

ClinVar aggregate classification (germline): Uncertain significance (1 of 4 stars; one submission).

gnomAD v4.1: 4 of 1,612,564 alleles (0.00025%); no homozygotes.

Submission:

Labcorp Genetics (formerly Invitae), Labcorp
Classification: Uncertain significance. Last evaluated: 2022-09-05. Review status: criteria provided, single submitter. Criteria: Invitae Variant Classification Sherloc (09022015). Collection method: clinical testing. Allele origin: germline.
Comment: In summary, the available evidence is currently insufficient to determine the role of this variant in disease. Therefore, it has been classified as a Variant of Uncertain Significance. This sequence change replaces valine, which is neutral and non-polar, with methionine, which is neutral and non-polar, at codon 536 of the RNF43 protein (p.Val536Met). This variant is present in population databases (rs773453980, gnomAD 0.008%). This variant has not been reported in the literature in individuals affected with RNF43-related conditions. Algorithms developed to predict the effect of missense changes on protein structure and function (SIFT, PolyPhen-2, Align-GVGD) all suggest that this variant is likely to be tolerated.

NM_017763.6(RNF43):c.1606G>A (p.Val536Met)

Gene: RNF43 (ring finger protein 43; minus strand). Cytogenetic location: 17q22.
Variant type: single nucleotide variant.
Coding change: c.1606G>A on transcript NM_017763.6 (MANE Select); coding-DNA position 1606, G replaced by A.
Protein change: p.Val536Met; replaces valine 536 with methionine.
Molecular consequence: missense variant.
Genome position (GRCh38, 1-based): chr17:58,358,170, C>T on the plus strand (G>A on the coding strand, the complement: RNF43 is on the minus strand). VCF-style: chr17-58358170-C-T. GRCh37 (hg19) VCF-style: chr17-56435531-C-T.
Other names: c.1606G>A, p.Val536Met (NM_001305544.3); c.1225G>A, p.Val409Met (NM_001305545.2); short protein forms V409M, V536M.
Identifiers: ClinVar variation 2004922 (VCV002004922.4), dbSNP rs773453980, ClinGen allele CA8673148.